The following is an entry in ClinVar:

NM_000334.4(SCN4A):c.4424T>C (p.Leu1475Pro)

Genes: GH-LCR (growth hormone locus control region; plus strand), SCN4A (sodium voltage-gated channel alpha subunit 4; minus strand). Cytogenetic location: 17q23.3.
Variant type: single nucleotide variant.
Coding change: c.4424T>C on transcript NM_000334.4 (MANE Select); coding-DNA position 4424, T replaced by C.
Protein change: p.Leu1475Pro; replaces leucine 1475 with proline.
Molecular consequence: missense variant.
Genome position (GRCh38, 1-based): chr17:63,941,858, A>G on the plus strand (T>C on the coding strand, the complement: SCN4A is on the minus strand). VCF-style: chr17-63941858-A-G. GRCh37 (hg19) VCF-style: chr17-62019218-A-G.
Other names: short protein forms L1475P.
Identifiers: ClinVar variation 2823015 (VCV002823015.4), dbSNP rs2509285170, ClinGen allele CA400616054.

ClinVar aggregate classification (germline): Uncertain significance. Review status: criteria provided, multiple submitters, no conflicts (2 of 4 stars). 2 submissions from 2 submitters: Uncertain significance (2). Last evaluated 2023-01-03.

Conditions:
Hyperkalemic periodic paralysis. Also called: Familial hyperkalemic periodic paralysis; Gamstorp disease. Identifiers: Orphanet 682, MedGen C0238357, MONDO:0008224, OMIM 170500, HP:0007215.

Submissions (2):

Labcorp Genetics (formerly Invitae), Labcorp
Classification: Uncertain significance for Hyperkalemic periodic paralysis. Last evaluated: 2023-01-03. Review status: criteria provided, single submitter. Criteria: Invitae Variant Classification Sherloc (09022015). Collection method: clinical testing. Allele origin: germline.
Comment: This sequence change replaces leucine, which is neutral and non-polar, with proline, which is neutral and non-polar, at codon 1475 of the SCN4A protein (p.Leu1475Pro). This variant is not present in population databases (gnomAD no frequency). This variant has not been reported in the literature in individuals affected with SCN4A-related conditions. Advanced modeling of protein sequence and biophysical properties (such as structural, functional, and spatial information, amino acid conservation, physicochemical variation, residue mobility, and thermodynamic stability) performed at Invitae indicates that this missense variant is expected to disrupt SCN4A protein function. In summary, the available evidence is currently insufficient to determine the role of this variant in disease. Therefore, it has been classified as a Variant of Uncertain Significance.

Blueprint Genetics
Classification: Uncertain significance. Last evaluated: 2018-07-19. Review status: criteria provided, single submitter. Criteria: ACMG Guidelines, 2015. Collection method: clinical testing. Allele origin: germline.